The following is an entry in ClinVar:

ClinVar aggregate classification (germline): Likely benign. Review status: criteria provided, multiple submitters, no conflicts (2 of 4 stars). 3 submissions from 3 submitters: Likely benign (3). Last evaluated 2025-11-25.

Conditions:
Methylmalonic acidemia with homocystinuria, type cblJ (MAHCJ). Also called: METHYLMALONIC ACIDURIA AND HOMOCYSTINURIA, cblJ TYPE. Identifiers: Orphanet 369955, MedGen C3553915, MONDO:0013925, OMIM 614857.

Allele frequency attached by ClinVar (database versions not stated): gnomAD 0.00001 and 0.00003; TOPMed 0.00003; gnomAD exomes 0.00005 and 0.00010; ExAC 0.00015.
gnomAD v4.1: 84 of 1,612,400 alleles (0.0052%); highest among the groups gnomAD compares: South Asian, 0.05%; no homozygotes.

Submissions (3):

Labcorp Genetics (formerly Invitae), Labcorp
Classification: Likely benign for Methylmalonic acidemia with homocystinuria, type cblJ. Last evaluated: 2025-11-25. Review status: criteria provided, single submitter. Criteria: Invitae Variant Classification Sherloc (09022015). Collection method: clinical testing. Allele origin: germline.

CeGaT Center for Human Genetics Tuebingen
Classification: Likely benign. Last evaluated: 2022-03-01. Review status: criteria provided, single submitter. Criteria: CeGaT Center For Human Genetics Tuebingen Variant Classification Criteria Version 2. Collection method: clinical testing. Allele origin: germline. Affected: yes. Observed: 1 variant allele.
Comment: ABCD4: BP4, BP7

GeneDx
Classification: Likely benign. Last evaluated: 2017-09-22. Review status: criteria provided, single submitter. Criteria: GeneDx Variant Classification (06012015). Collection method: clinical testing. Allele origin: germline. Affected: yes.
Comment: This variant is considered likely benign or benign based on one or more of the following criteria: it is a conservative change, it occurs at a poorly conserved position in the protein, it is predicted to be benign by multiple in silico algorithms, and/or has population frequency not consistent with disease.

NM_005050.4(ABCD4):c.594C>T (p.Thr198=)

Gene: ABCD4 (ATP binding cassette subfamily D member 4; minus strand). Cytogenetic location: 14q24.3.
Variant type: single nucleotide variant.
Coding change: c.594C>T on transcript NM_005050.4 (MANE Select); coding-DNA position 594, C replaced by T.
Protein change: p.Thr198=; no amino-acid change (threonine 198 retained).
Molecular consequence: synonymous variant. On other transcripts: 5 prime UTR variant (9), non-coding transcript variant (10), intron variant (2).
Genome position (GRCh38, 1-based): chr14:74,295,928, G>A on the plus strand (C>T on the coding strand, the complement: ABCD4 is on the minus strand). VCF-style: chr14-74295928-G-A. GRCh37 (hg19) VCF-style: chr14-74762631-G-A.
Other names: c.333C>T, p.Thr111= (NM_001353593.2, NM_001353594.2); c.180C>T, p.Thr60= (NM_001353595.2, NM_001353596.2, NM_001353597.2); c.117C>T, p.Thr39= (NM_001353598.2, NM_001353599.2, NM_001353600.2 and 2 more transcripts); c.-101C>T (NM_001353602.2, NM_001353603.2, NM_001353604.2 and 6 more transcripts); c.594C>T, p.Thr198= (NM_020325.3); c.542+405C>T (NM_001353591.2, NM_001353592.2).
Identifiers: ClinVar variation 511800 (VCV000511800.29), dbSNP rs202070697, ClinGen allele CA7267147.